The following is an entry in ClinVar:

ClinVar aggregate classification (germline): Pathogenic/Likely pathogenic. Review status: criteria provided, multiple submitters, no conflicts (2 of 4 stars). 3 submissions from 3 submitters: Pathogenic (1); Likely pathogenic (1). 1 of the submissions does not count toward it. Last evaluated 2025-11-21.

Conditions:
Pituitary hormone deficiency, combined, 2. Also called: HANHART DWARFISM; PITUITARY DWARFISM III; ATELIOTIC DWARFISM WITH HYPOGONADISM; PROP1-Related Combined Pituitary Hormone Deficiency. Identifiers: MedGen C0878683, MONDO:0009878, OMIM 262600.

Submissions (3):

Natera, Inc.
Classification: Likely pathogenic for Combined pituitary hormone deficiency type 2. Last evaluated: 2025-11-21. Review status: criteria provided, single submitter. Criteria: Natera Variant Classification Schema (03/2026). Collection method: clinical testing. Allele origin: germline.
Comment: The c.74_75dup variant in PROP1 is a frameshift variant predicted to shift the reading frame beginning at codon 26 and leads to a stop codon 140 codons downstream. This variant is expected to result in nonsense mediated decay, truncation, or a dysfunctional protein product. This variant is rare in the general population with a frequency below the threshold expected for the associated phenotype(s). Given the available evidence, this variant is classified as Likely Pathogenic.

Labcorp Genetics (formerly Invitae), Labcorp
Classification: Pathogenic. Last evaluated: 2023-09-21. Review status: criteria provided, single submitter. Criteria: Invitae Variant Classification Sherloc (09022015). Collection method: clinical testing. Allele origin: germline.
Comment: For these reasons, this variant has been classified as Pathogenic. This variant disrupts a region of the PROP1 protein in which other variant(s) (p.Trp194*) have been determined to be pathogenic (PMID: 15941866, 20381582). This suggests that this is a clinically significant region of the protein, and that variants that disrupt it are likely to be disease-causing. This variant has not been reported in the literature in individuals affected with PROP1-related conditions. This variant is not present in population databases (gnomAD no frequency). This sequence change creates a premature translational stop signal (p.His26Aspfs*140) in the PROP1 gene. While this is not anticipated to result in nonsense mediated decay, it is expected to disrupt the last 201 amino acid(s) of the PROP1 protein.

Counsyl
Classification: Likely pathogenic for Pituitary hormone deficiency, combined, 2. Last evaluated: 2018-04-05. Review status: no assertion criteria provided. Collection method: clinical testing. Allele origin: unknown. Not counted in ClinVar's aggregate classification.

Literature cited by the submitters: PubMed 15941866 (cited by Labcorp Genetics (formerly Invitae), Labcorp); PubMed 20381582 (cited by Labcorp Genetics (formerly Invitae), Labcorp).

NM_006261.5(PROP1):c.74_75dup (p.His26fs)

Gene: PROP1 (PROP paired-like homeobox 1; minus strand). Cytogenetic location: 5q35.3.
Variant type: Microsatellite.
Coding change: c.74_75dup on transcript NM_006261.5 (MANE Select); coding-DNA positions 74 to 75, 2 bases duplicated (GA; older notation c.74_75dupGA).
Protein change: p.His26fs; shifts the reading frame from histidine 26.
Molecular consequence: frameshift variant.
Genome position (GRCh38, 1-based): chr5:177,995,859-177,995,860, TC duplicated on the plus strand (GA on the coding strand, the reverse complement: PROP1 is on the minus strand); duplicating any 2 consecutive bases within chr5:177,995,859-177,995,864 gives the same sequence; the c. name uses the placement nearest the transcript's 3' end. VCF-style (leftmost placement, unchanged base first): chr5-177995858-G-GTC. GRCh37 (hg19) VCF-style: chr5-177422859-G-GTC.
Other names: c.74_75dup (NM_006261.4); short protein forms H26fs.
Identifiers: ClinVar variation 557723 (VCV000557723.12), dbSNP rs1554182632, ClinGen allele CA658822674.